The following is an entry in ClinVar:

NM_001198.4(PRDM1):c.448G>A (p.Gly150Ser)

Genes: PRDM1 (PR/SET domain 1; plus strand), LOC126859755 (MED14-independent group 3 enhancer GRCh37_chr6:106546043-106547242; plus strand). Cytogenetic location: 6q21.
Variant type: single nucleotide variant.
Coding change: c.448G>A on transcript NM_001198.4 (MANE Select); coding-DNA position 448, G replaced by A.
Protein change: p.Gly150Ser; replaces glycine 150 with serine.
Molecular consequence: missense variant.
Genome position (GRCh38, 1-based): chr6:106,099,336, G>A. VCF-style: chr6-106099336-G-A. GRCh37 (hg19) VCF-style: chr6-106547211-G-A.
Other names: c.46G>A, p.Gly16Ser (NM_182907.3); short protein forms G150S, G16S.
Identifiers: ClinVar variation 135077 (VCV000135077.1), dbSNP rs587778624, ClinGen allele CA161620.

ClinVar aggregate classification (germline): not provided (0 of 4 stars; one submission).

Allele frequency attached by ClinVar (database versions not stated): gnomAD exomes below 0.00001; TOPMed below 0.00001.
gnomAD v4.1: 2 of 1,614,050 alleles (0.00012%); highest among the groups gnomAD compares: Non-Finnish European, 0.00017%; no homozygotes.

Submission:

ITMI
No classification provided. Condition: AllHighlyPenetrant. Last evaluated: 2013-09-19. Review status: no classification provided. Collection method: reference population. Allele origin: germline.
Comment: Please see associated publication for description of ethnicities

Literature cited by the submitters: PubMed 24728327.